The following is an entry in ClinVar:

ClinVar aggregate classification (germline): Conflicting classifications of pathogenicity. Review status: criteria provided, conflicting classifications (1 of 4 stars). 5 submissions from 4 submitters: Uncertain significance (2); Benign (1); Likely benign (2). Last evaluated 2025-12-23.

Conditions:
Hereditary cancer-predisposing syndrome. Also called: Tumor predisposition; Hereditary neoplastic syndrome; Neoplastic Syndromes, Hereditary; Hereditary Cancer Syndrome. Identifiers: Orphanet 140162, MedGen C0027672, MeSH D009386, MONDO:0015356.
Fumarase deficiency (FMRD). Also called: Fumaric aciduria; Fumarate Hydratase Deficiency. Identifiers: Orphanet 24, MedGen C0342770, MONDO:0011730, OMIM 606812.
Hereditary leiomyomatosis and renal cell cancer. Also called: Multiple cutaneous leiomyomas; MULTIPLE CUTANEOUS AND UTERINE LEIOMYOMATA 1, WITH OR WITHOUT RENAL CELL CARCINOMA; FH tumor predisposition syndrome; LEIOMYOMA, MULTIPLE CUTANEOUS; Reed syndrome; Multiple cutaneous and uterine leiomyomatosis. Identifiers: Orphanet 523, MedGen C1708350, MONDO:0007888, OMIM 150800, HP:0007437. Disease mechanism: loss of function.

Allele frequency attached by ClinVar (database versions not stated): gnomAD exomes below 0.00001 and 0.00001; TOPMed below 0.00001; ExAC 0.00001; gnomAD 0.00001.
gnomAD v4.1: 3 of 1,613,696 alleles (0.00019%); highest among the groups gnomAD compares: East Asian, 0.0067%; no homozygotes.

Submissions (5):

Labcorp Genetics (formerly Invitae), Labcorp
Classification: Likely benign. Last evaluated: 2025-12-23. Review status: criteria provided, single submitter. Criteria: Invitae Variant Classification Sherloc (09022015). Collection method: clinical testing. Allele origin: germline.

Myriad Genetics, Inc.
Classification: Benign for Hereditary leiomyomatosis and renal cell cancer. Last evaluated: 2024-10-22. Review status: criteria provided, single submitter. Criteria: Myriad Autosomal Dominant, Autosomal Recessive and X-Linked Classification Criteria (2023). Collection method: clinical testing. Allele origin: unknown.
Comment: This variant is considered benign. This variant is a silent/synonymous amino acid change and it is not expected to impact splicing.

Ambry Genetics
Classification: Likely benign for Hereditary cancer-predisposing syndrome. Last evaluated: 2018-03-20. Review status: criteria provided, single submitter. Criteria: Ambry Variant Classification Scheme 2023. Collection method: clinical testing. Allele origin: germline.

Illumina Laboratory Services, Illumina
Classification: Uncertain significance for Hereditary leiomyomatosis and renal cell cancer. Last evaluated: 2018-01-13. Review status: criteria provided, single submitter. Criteria: ICSL Variant Classification Criteria 13 December 2019. Collection method: clinical testing. Allele origin: germline.

Illumina Laboratory Services, Illumina
Classification: Uncertain significance for Fumarase deficiency. Last evaluated: 2018-01-13. Review status: criteria provided, single submitter. Criteria: ICSL Variant Classification Criteria 13 December 2019. Collection method: clinical testing. Allele origin: germline.

NM_000143.4(FH):c.1443C>G (p.Thr481=)

Gene: FH (fumarate hydratase; minus strand). Cytogenetic location: 1q43.
Variant type: single nucleotide variant.
Coding change: c.1443C>G on transcript NM_000143.4 (MANE Select); coding-DNA position 1443, C replaced by G.
Protein change: p.Thr481=; no amino-acid change (threonine 481 retained).
Molecular consequence: synonymous variant.
Genome position (GRCh38, 1-based): chr1:241,497,918, G>C on the plus strand (C>G on the coding strand, the complement: FH is on the minus strand). VCF-style: chr1-241497918-G-C. GRCh37 (hg19) VCF-style: chr1-241661218-G-C.
Identifiers: ClinVar variation 296861 (VCV000296861.60), dbSNP rs780200136, ClinGen allele CA1478436.
Genomic context (GRCh38, chr1:241,497,918, plus strand): 5'-TACCCATTCGTCAAACTGCTCTGCTGTGAGATAGCCAAGTTCGATAGCAGTTTCCTTTAA[G>C]GTTGATCCATTTTTGTGTGCTGTCTTAGCAATCTTTGCTGCCTTGTCATACCCTGAAGAA-3'
Protein context (NP_000134.2, residues 471-491): IAKTAHKNGS[Thr481=]LKETAIELGY